The following is an entry in ClinVar:

NM_000075.4(CDK4):c.906G>A (p.Pro302=)

Genes: CDK4 (cyclin dependent kinase 4; minus strand), TSPAN31 (tetraspanin 31; plus strand). Cytogenetic location: 12q14.1.
Variant type: single nucleotide variant.
Coding change: c.906G>A on transcript NM_000075.4 (MANE Select); coding-DNA position 906, G replaced by A.
Protein change: p.Pro302=; no amino-acid change (proline 302 retained).
Molecular consequence: synonymous variant. On other transcripts: 3 prime UTR variant (3).
Genome position (GRCh38, 1-based): chr12:57,748,531, C>T on the plus strand (G>A on the coding strand, the complement: CDK4 is on the minus strand). VCF-style: chr12-57748531-C-T. GRCh37 (hg19) VCF-style: chr12-58142314-C-T.
Other names: c.*1241C>T (NM_001330168.2, NM_001330169.2, NM_005981.5).
Identifiers: ClinVar variation 463480 (VCV000463480.18), dbSNP rs375309124, ClinGen allele CA6657618.

ClinVar aggregate classification (germline): Benign/Likely benign. Review status: criteria provided, multiple submitters, no conflicts (2 of 4 stars). 4 submissions from 4 submitters: Benign (1); Likely benign (3). Last evaluated 2026-01-24.

Conditions:
Hereditary cancer-predisposing syndrome. Also called: Neoplastic Syndromes, Hereditary; Hereditary Cancer Syndrome; Hereditary neoplastic syndrome; Tumor predisposition. Identifiers: Orphanet 140162, MedGen C0027672, MeSH D009386, MONDO:0015356.
Melanoma, cutaneous malignant, susceptibility to, 3. Also called: Cutaneous malignant melanoma 3. Identifiers: Orphanet 618, MedGen C1836892, MONDO:0012183, OMIM 609048.
Familial melanoma. Also called: Hereditary melanoma; Hereditary cutaneous melanoma. Identifiers: Orphanet 618, MedGen C1512419, MONDO:0018961.

Allele frequency attached by ClinVar (database versions not stated): gnomAD 0.00002 and 0.00003; TOPMed 0.00002; gnomAD exomes 0.00005 and 0.00009; ESP Exome Variant Server 0.00008; ExAC 0.00011.
gnomAD v4.1: 69 of 1,610,628 alleles (0.0043%); highest among the groups gnomAD compares: South Asian, 0.068%; 1 homozygote.

Submissions (4):

Labcorp Genetics (formerly Invitae), Labcorp
Classification: Likely benign for Familial melanoma. Last evaluated: 2026-01-24. Review status: criteria provided, single submitter. Criteria: Invitae Variant Classification Sherloc (09022015). Collection method: clinical testing. Allele origin: germline.

Center for Genomic Medicine, Rigshospitalet, Copenhagen University Hospital
Classification: Likely benign. Last evaluated: 2025-12-29. Review status: criteria provided, single submitter. Criteria: ACMG Guidelines, 2015. Collection method: clinical testing. Allele origin: germline.

Myriad Genetics, Inc.
Classification: Benign for Melanoma, cutaneous malignant, susceptibility to, 3. Last evaluated: 2024-09-27. Review status: criteria provided, single submitter. Criteria: Myriad Autosomal Dominant, Autosomal Recessive and X-Linked Classification Criteria (2023). Collection method: clinical testing. Allele origin: unknown.
Comment: This variant is considered benign. This variant is a silent/synonymous amino acid change and it is not expected to impact splicing.

Ambry Genetics
Classification: Likely benign for Hereditary cancer-predisposing syndrome. Last evaluated: 2015-10-05. Review status: criteria provided, single submitter. Criteria: Ambry Variant Classification Scheme 2023. Collection method: clinical testing. Allele origin: germline.